The following is an entry in ClinVar:

ClinVar aggregate classification (germline): Uncertain significance (1 of 4 stars; one submission).

Submission:

GeneDx
Classification: Uncertain significance. Last evaluated: 2023-05-22. Review status: criteria provided, single submitter. Criteria: GeneDx Variant Classification Process June 2021. Collection method: clinical testing. Allele origin: germline. Affected: yes.
Comment: Not observed at significant frequency in large population cohorts (gnomAD); In silico analysis supports that this missense variant has a deleterious effect on protein structure/function; Has not been previously published as pathogenic or benign to our knowledge

NM_006852.6(TLK2):c.1772A>G (p.Asp591Gly)

Gene: TLK2 (tousled like kinase 2; plus strand). Cytogenetic location: 17q23.2.
Variant type: single nucleotide variant.
Coding change: c.1772A>G on transcript NM_006852.6 (MANE Select); coding-DNA position 1772, A replaced by G.
Protein change: p.Asp591Gly; replaces aspartic acid 591 with glycine.
Molecular consequence: missense variant.
Genome position (GRCh38, 1-based): chr17:62,602,093, A>G. VCF-style: chr17-62602093-A-G. GRCh37 (hg19) VCF-style: chr17-60679454-A-G.
Other names: c.1838A>G, p.Asp613Gly (NM_001284333.3); c.1676A>G, p.Asp559Gly (NM_001284363.1, NM_001375272.1); c.1325A>G, p.Asp442Gly (NM_001330418.3, NM_001375273.1); c.1814A>G, p.Asp605Gly (NM_001375269.1); c.1772A>G, p.Asp591Gly (NM_001375270.1, NM_001375271.1); c.1487A>G, p.Asp496Gly (NM_001411074.1); short protein forms D442G, D496G, D559G, D591G, D605G, D613G.
Identifiers: ClinVar variation 3343618 (VCV003343618.1).